The following is an entry in ClinVar:

ClinVar aggregate classification (germline): Likely benign. Review status: criteria provided, multiple submitters, no conflicts (2 of 4 stars). 2 submissions from 2 submitters: Likely benign (2). Last evaluated 2024-12-01.

gnomAD v4.1: 450 of 1,614,020 alleles (0.028%); highest among the groups gnomAD compares: Middle Eastern, 0.86%; 6 homozygotes.

Submissions (2):

CeGaT Center for Human Genetics Tuebingen
Classification: Likely benign. Last evaluated: 2024-12-01. Review status: criteria provided, single submitter. Criteria: CeGaT Center For Human Genetics Tuebingen Variant Classification Criteria Version 2. Collection method: clinical testing. Allele origin: germline. Affected: yes. Observed: 1 variant allele.
Comment: ZFHX3: BP4, BS1

Blueprint Genetics
Classification: Likely benign. Last evaluated: 2024-11-26. Review status: criteria provided, single submitter. Criteria: ACMG Guidelines, 2015. Collection method: clinical testing. Allele origin: germline.

NM_006885.4(ZFHX3):c.1849G>A (p.Val617Ile)

Gene: ZFHX3 (zinc finger homeobox 3; minus strand). Cytogenetic location: 16q22.3.
Variant type: single nucleotide variant.
Coding change: c.1849G>A on transcript NM_006885.4 (MANE Select); coding-DNA position 1849, G replaced by A.
Protein change: p.Val617Ile; replaces valine 617 with isoleucine.
Molecular consequence: missense variant. On other transcripts: intron variant (1).
Genome position (GRCh38, 1-based): chr16:72,958,297, C>T on the plus strand (G>A on the coding strand, the complement: ZFHX3 is on the minus strand). VCF-style: chr16-72958297-C-T. GRCh37 (hg19) VCF-style: chr16-72992196-C-T.
Other names: c.1849G>A, p.Val617Ile (NM_001386735.1); c.-23-7332G>A (NM_001164766.2); short protein forms V617I.
Identifiers: ClinVar variation 3770673 (VCV003770673.14).
Genomic context (GRCh38, chr16:72,958,297, plus strand): 5'-CCGAGGGGCACTCCCCAACCCCAAGCTCGCAGAGGGAGCCAGCGTGCTGGTGATGGGGAA[C>T]GAAGCCCCCATCGTCACCCTCTGTGCTTTCATTTGGTTCTGGTGCTGTGGCATTGTCTTT-3'
Protein context (NP_008816.3, residues 607-627): ESTEGDDGGF[Val617Ile]PHHQHAGSLC